The following is an entry in ClinVar:

NM_000158.4(GBE1):c.448_453delinsGCGGT (p.Ser150fs)

Gene: GBE1 (1,4-alpha-glucan branching enzyme 1; minus strand). Cytogenetic location: 3p12.2.
Variant type: Indel.
Coding change: c.448_453delinsGCGGT on transcript NM_000158.4 (MANE Select); coding-DNA positions 448 to 453, AGCGGA replaced by GCGGT.
Protein change: p.Ser150fs; shifts the reading frame from serine 150.
Molecular consequence: frameshift variant.
Genome position (GRCh38, 1-based): chr3:81,649,898-81,649,903, TCCGCT replaced by ACCGC on the plus strand (AGCGGA replaced by GCGGT on the coding strand, the reverse complement: GBE1 is on the minus strand). VCF-style: chr3-81649898-TCCGCT-ACCGC. GRCh37 (hg19) VCF-style: chr3-81699049-TCCGCT-ACCGC.
Other names: short protein forms S150fs.
Identifiers: ClinVar variation 5010690 (VCV005010690.1).

ClinVar aggregate classification (germline): Pathogenic (1 of 4 stars; one submission).

Conditions:
Glycogen storage disease, type IV (GSD4). Also called: AMYLOPECTINOSIS; ANDERSEN DISEASE; BRANCHER DEFICIENCY; CIRRHOSIS, FAMILIAL, WITH DEPOSITION OF ABNORMAL GLYCOGEN; GBE1 DEFICIENCY; GLYCOGEN BRANCHING ENZYME DEFICIENCY. Identifiers: Orphanet 367, MedGen C0017923, MONDO:0009292, OMIM 232500.

Submission:

Myriad Genetics, Inc.
Classification: Pathogenic for Glycogen storage disease, type IV. Last evaluated: 2024-05-14. Review status: criteria provided, single submitter. Criteria: Myriad Autosomal Dominant, Autosomal Recessive and X-Linked Classification Criteria (2023). Collection method: clinical testing. Allele origin: unknown.
Comment: NM_000158.3(GBE1):c.448_453del6ins5(S150Afs*22) is expected to be pathogenic in the context of glycogen storage disease, GBE1-related. This variant is predicted to lead to an abnormal or absent protein product due to the creation of a premature termination codon in GBE1, a gene where loss-of-function variants are known to be pathogenic. Please note: this variant was assessed in the context of healthy population screening.